The following is an entry in ClinVar:

ClinVar aggregate classification (germline): Uncertain significance (1 of 4 stars; one submission).

Conditions:
WDFY4-related disorder. Also called: WDFY4-related condition.

Allele frequency attached by ClinVar (database versions not stated): gnomAD exomes below 0.00001.
gnomAD v4.1: 2 of 1,551,576 alleles (0.00013%); highest among the groups gnomAD compares: East Asian, 0.0024%; no homozygotes.

Submission:

PreventionGenetics, part of Exact Sciences
Classification: Uncertain significance for WDFY4-related condition. Last evaluated: 2022-10-18. Review status: criteria provided, single submitter. Criteria: ACMG Guidelines, 2015. Collection method: clinical testing. Allele origin: germline.
Comment: The WDFY4 c.1702C>T variant is predicted to result in the amino acid substitution p.His568Tyr. To our knowledge, this variant has not been reported in the literature or in a large population database, indicating this variant is rare. At this time, the clinical significance of this variant is uncertain due to the absence of conclusive functional and genetic evidence.

NM_001394531.1(WDFY4):c.1702C>T (p.His568Tyr)

Gene: WDFY4 (WDFY family member 4; plus strand). Cytogenetic location: 10q11.23.
Variant type: single nucleotide variant.
Coding change: c.1702C>T on transcript NM_001394531.1 (MANE Select); coding-DNA position 1702, C replaced by T.
Protein change: p.His568Tyr; replaces histidine 568 with tyrosine.
Molecular consequence: missense variant.
Genome position (GRCh38, 1-based): chr10:48,735,894, C>T. VCF-style: chr10-48735894-C-T. GRCh37 (hg19) VCF-style: chr10-49943939-C-T.
Other names: c.1702C>T, p.His568Tyr (NM_001370153.1, NM_001370154.1, NM_020945.2); short protein forms H568Y.
Identifiers: ClinVar variation 2637221 (VCV002637221.1), dbSNP rs2492402147, ClinGen allele CA376819041.